The following is an entry in ClinVar:

NM_080860.4(RSPH1):c.57A>T (p.Glu19Asp)

Genes: RSPH1 (radial spoke head component 1; minus strand), LOC126653391 (CDK7 strongly-dependent group 2 enhancer GRCh37_chr21:43912470-43913669; plus strand). Cytogenetic location: 21q22.3.
Variant type: single nucleotide variant.
Coding change: c.57A>T on transcript NM_080860.4 (MANE Select); coding-DNA position 57, A replaced by T.
Protein change: p.Glu19Asp; replaces glutamic acid 19 with aspartic acid.
Molecular consequence: missense variant. On other transcripts: intron variant (1).
Genome position (GRCh38, 1-based): chr21:42,493,077, T>A on the plus strand (A>T on the coding strand, the complement: RSPH1 is on the minus strand). VCF-style: chr21-42493077-T-A. GRCh37 (hg19) VCF-style: chr21-43913187-T-A.
Other names: p.Glu19Asp; c.57A>T (NM_080860.2); c.55-214A>T (NM_001286506.2); short protein forms E19D.
Identifiers: ClinVar variation 408127 (VCV000408127.9), dbSNP rs200861411, ClinGen allele CA10044078.

ClinVar aggregate classification (germline): Uncertain significance. Review status: criteria provided, multiple submitters, no conflicts (2 of 4 stars). 4 submissions from 4 submitters: Uncertain significance (4). Last evaluated 2025-10-28.

Conditions:
Inborn genetic diseases. Identifiers: MedGen C0950123, MeSH D030342.
Primary ciliary dyskinesia. Also called: Ciliary dyskinesia. Identifiers: Orphanet 244, MedGen C0008780, MONDO:0016575, HP:0012265.

Allele frequency attached by ClinVar (database versions not stated): gnomAD 0.00003 and 0.00009; TOPMed 0.00005; gnomAD exomes 0.00006 and 0.00014; 1000 Genomes Project 30x 0.00016; ExAC 0.00017; 1000 Genomes Project 0.00020.
gnomAD v4.1: 98 of 1,613,040 alleles (0.0061%); highest among the groups gnomAD compares: East Asian, 0.098%; no homozygotes.

Submissions (4):

Ambry Genetics
Classification: Uncertain significance for Inborn genetic diseases. Last evaluated: 2025-10-28. Review status: criteria provided, single submitter. Criteria: Ambry Variant Classification Scheme 2023. Collection method: clinical testing. Allele origin: germline.

Mayo Clinic Laboratories, Mayo Clinic
Classification: Uncertain significance. Last evaluated: 2025-03-26. Review status: criteria provided, single submitter. Criteria: ACMG Guidelines, 2015. Collection method: clinical testing. Allele origin: germline. Observed: 1 variant allele.
Comment: BP4

Blueprint Genetics
Classification: Uncertain significance. Last evaluated: 2024-11-21. Review status: criteria provided, single submitter. Criteria: ACMG Guidelines, 2015. Collection method: clinical testing. Allele origin: germline.

Labcorp Genetics (formerly Invitae), Labcorp
Classification: Uncertain significance for Primary ciliary dyskinesia. Last evaluated: 2022-07-25. Review status: criteria provided, single submitter. Criteria: Invitae Variant Classification Sherloc (09022015). Collection method: clinical testing. Allele origin: germline.
Comment: This sequence change replaces glutamic acid, which is acidic and polar, with aspartic acid, which is acidic and polar, at codon 19 of the RSPH1 protein (p.Glu19Asp). This variant is present in population databases (rs200861411, gnomAD 0.07%). This variant has not been reported in the literature in individuals affected with RSPH1-related conditions. ClinVar contains an entry for this variant (Variation ID: 408127). Algorithms developed to predict the effect of missense changes on protein structure and function are either unavailable or do not agree on the potential impact of this missense change (SIFT: "Tolerated"; PolyPhen-2: "Not Available"; Align-GVGD: "Class C0"). In summary, the available evidence is currently insufficient to determine the role of this variant in disease. Therefore, it has been classified as a Variant of Uncertain Significance.